The following is an entry in ClinVar:

NM_001162498.3(LPAR6):c.174C>T (p.Asn58=)

Genes: LPAR6 (lysophosphatidic acid receptor 6; minus strand), RB1 (RB transcriptional corepressor 1; plus strand). Cytogenetic location: 13q14.2.
Variant type: single nucleotide variant.
Coding change: c.174C>T on transcript NM_001162498.3 (MANE Select); coding-DNA position 174, C replaced by T.
Protein change: p.Asn58=; no amino-acid change (asparagine 58 retained).
Molecular consequence: synonymous variant. On other transcripts: intron variant (2).
Genome position (GRCh38, 1-based): chr13:48,412,250, G>A on the plus strand (C>T on the coding strand, the complement: LPAR6 is on the minus strand). VCF-style: chr13-48412250-G-A. GRCh37 (hg19) VCF-style: chr13-48986386-G-A.
Other names: c.174C>T, p.Asn58= (NM_001162497.3, NM_001377316.2, NM_001377317.2 and 1 more transcripts); c.1695+30807G>A (NM_001407165.1, NM_000321.3).
Identifiers: ClinVar variation 791427 (VCV000791427.5), dbSNP rs779556016, ClinGen allele CA031435.

ClinVar aggregate classification (germline): Likely benign. Review status: criteria provided, multiple submitters, no conflicts (2 of 4 stars). 2 submissions from 2 submitters: Likely benign (2). Last evaluated 2026-06-01.

Allele frequency attached by ClinVar (database versions not stated): ExAC 0.00002; gnomAD 0.00004 and 0.00005; gnomAD exomes 0.00005 and 0.00006; TOPMed 0.00006.
gnomAD v4.1: 105 of 1,613,968 alleles (0.0065%); highest among the groups gnomAD compares: Middle Eastern, 0.033%; 1 homozygote.

Submissions (2):

CeGaT Center for Human Genetics Tuebingen
Classification: Likely benign. Last evaluated: 2026-06-01. Review status: criteria provided, single submitter. Criteria: CeGaT Center For Human Genetics Tuebingen Variant Classification Criteria Version 2. Collection method: clinical testing. Allele origin: germline. Affected: yes. Observed: 1 variant allele.
Comment: LPAR6: BP4, BP7

Labcorp Genetics (formerly Invitae), Labcorp
Classification: Likely benign. Last evaluated: 2018-04-03. Review status: criteria provided, single submitter. Criteria: Invitae Variant Classification Sherloc (09022015). Collection method: clinical testing. Allele origin: germline.